The following is an entry in ClinVar:

NC_000022.10:g.(?_26157060)_(26157118_?)del

Gene: MYO18B (myosin XVIIIB; plus strand). Cytogenetic location: 22q12.1.
Variant type: Deletion.
Identifiers: ClinVar variation 1436766 (VCV001436766.5).

ClinVar aggregate classification (germline): Pathogenic (1 of 4 stars; one submission).

Submission:

Labcorp Genetics (formerly Invitae), Labcorp
Classification: Pathogenic. Last evaluated: 2023-12-28. Review status: criteria provided, single submitter. Criteria: Invitae Variant Classification Sherloc (09022015). Collection method: clinical testing. Allele origin: germline.
Comment: This variant is a gross deletion of the genomic region encompassing exon(s) 2 of the MYO18B gene, which includes the initiator codon. This deletion extends beyond the assayed region for this gene and therefore may encompass additional genes. It is expected to result in an absent or disrupted protein product. Loss-of-function variants in MYO18B are known to be pathogenic (PMID: 25748484, 32184166, 32637634). This variant has not been reported in the literature in individuals affected with MYO18B-related conditions. For these reasons, this variant has been classified as Pathogenic.

Literature cited by the submitters: PubMed 25748484; PubMed 32184166; PubMed 32637634.